The following is an entry in ClinVar:

ClinVar aggregate classification (germline): Benign (1 of 4 stars; one submission).

Submission:

GeneDx
Classification: Benign. Last evaluated: 2018-06-14. Review status: criteria provided, single submitter. Criteria: GeneDx Variant Classification (06012015). Collection method: clinical testing. Allele origin: germline. Affected: yes.
Comment: This variant is considered likely benign or benign based on one or more of the following criteria: it is a conservative change, it occurs at a poorly conserved position in the protein, it is predicted to be benign by multiple in silico algorithms, and/or has population frequency not consistent with disease.

NM_014244.5(ADAMTS2):c.3178+203_3178+213del

Gene: ADAMTS2 (ADAM metallopeptidase with thrombospondin type 1 motif 2; minus strand). Cytogenetic location: 5q35.3.
Variant type: Deletion.
Coding change: c.3178+203_3178+213del on transcript NM_014244.5 (MANE Select); bases 203 to 213 of the intron after coding-DNA position 3178, 11 bases deleted (TCTGCTGGGGC).
Molecular consequence: intron variant.
Genome position (GRCh38, 1-based): chr5:179,121,448-179,121,458, GCCCCAGCAGA deleted on the plus strand (TCTGCTGGGGC on the coding strand, the reverse complement: ADAMTS2 is on the minus strand); deleting any 11 consecutive bases within chr5:179,121,448-179,121,459 gives the same sequence; the c. name uses the placement nearest the transcript's 3' end. VCF-style (leftmost placement, unchanged base first): chr5-179121447-GGCCCCAGCAGA-G. GRCh37 (hg19) VCF-style: chr5-178548448-GGCCCCAGCAGA-G.
Identifiers: ClinVar variation 674590 (VCV000674590.1), dbSNP rs200044911, ClinGen allele CA133024949.
Genomic context (GRCh38, chr5:179,121,447, plus strand): 5'-GGCCCCTCCTGCAACCACGACAGATCTTTGCCCCTTTACAAGCCATCACCAACCAGGTTC[GGCCCCAGCAGA>G]GGCCCGAGCCCCCGCCAGCAGGCAGCGCGGCCCGGAGCGGACGCCGAGCTCAGAGGCCCG-3'